The following is an entry in ClinVar:

ClinVar aggregate classification (germline): Uncertain significance (1 of 4 stars; one submission).

Allele frequency attached by ClinVar (database versions not stated): gnomAD exomes below 0.00001.
gnomAD v4.1: 1 of 1,614,020 alleles (0.000062%); highest among the groups gnomAD compares: Non-Finnish European, 0.000085%; no homozygotes.

Submission:

Labcorp Genetics (formerly Invitae), Labcorp
Classification: Uncertain significance. Last evaluated: 2022-02-08. Review status: criteria provided, single submitter. Criteria: Invitae Variant Classification Sherloc (09022015). Collection method: clinical testing. Allele origin: germline.
Comment: In summary, the available evidence is currently insufficient to determine the role of this variant in disease. Therefore, it has been classified as a Variant of Uncertain Significance. Algorithms developed to predict the effect of missense changes on protein structure and function are either unavailable or do not agree on the potential impact of this missense change (SIFT: "Tolerated"; PolyPhen-2: "Probably Damaging"; Align-GVGD: "Class C0"). This variant has not been reported in the literature in individuals affected with RUNX2-related conditions. This variant is not present in population databases (gnomAD no frequency). This sequence change replaces alanine, which is neutral and non-polar, with valine, which is neutral and non-polar, at codon 414 of the RUNX2 protein (p.Ala414Val).

NM_001024630.4(RUNX2):c.1241C>T (p.Ala414Val)

Gene: RUNX2 (RUNX family transcription factor 2; plus strand). Cytogenetic location: 6p21.1.
Variant type: single nucleotide variant.
Coding change: c.1241C>T on transcript NM_001024630.4 (MANE Select); coding-DNA position 1241, C replaced by T.
Protein change: p.Ala414Val; replaces alanine 414 with valine.
Molecular consequence: missense variant.
Genome position (GRCh38, 1-based): chr6:45,546,980, C>T. VCF-style: chr6-45546980-C-T. GRCh37 (hg19) VCF-style: chr6-45514717-C-T.
Other names: c.1175C>T, p.Ala392Val (NM_001015051.4); c.1133C>T, p.Ala378Val (NM_001278478.2); c.1199C>T, p.Ala400Val (NM_001369405.1, NM_004348.3); short protein forms A378V, A392V, A400V, A414V.
Identifiers: ClinVar variation 2094611 (VCV002094611.4), dbSNP rs2481024749, ClinGen allele CA363956796.
Genomic context (GRCh38, chr6:45,546,980, plus strand): 5'-ATCCAGCCACCTTTACTTACACCCCGCCAGTCACCTCAGGCATGTCCCTCGGTATGTCCG[C>T]CACCACTCACTACCACACCTACCTGCCACCACCCTACCCCGGCTCTTCCCAAAGCCAGAG-3'
Protein context (NP_001019801.3, residues 404-424): VTSGMSLGMS[Ala414Val]TTHYHTYLPP